The following is an entry in ClinVar:

ClinVar aggregate classification (germline): Likely pathogenic. Review status: criteria provided, multiple submitters, no conflicts (2 of 4 stars). 4 submissions from 4 submitters: Likely pathogenic (3). 1 of the submissions does not count toward it. Last evaluated 2026-04-28.

Conditions:
TTN-related disorder. Also called: TTN-related disorders; TTN-related condition; TTN-related disease.
Autosomal recessive limb-girdle muscular dystrophy type 2J (LGMDR10). Also called: MUSCULAR DYSTROPHY, LIMB-GIRDLE, AUTOSOMAL RECESSIVE 10; Limb-girdle muscular dystrophy, type 2J. Identifiers: Orphanet 140922, MedGen C1837342, MONDO:0012127, OMIM 608807.
Dilated cardiomyopathy 1G (CMD1G). Identifiers: Orphanet 154, MedGen C1858763, MONDO:0011400, OMIM 604145.

gnomAD v4.1: 1 of 1,612,738 alleles (0.000062%); highest among the groups gnomAD compares: Non-Finnish European, 0.000085%; no homozygotes.

Submissions (4):

PreventionGenetics, part of Exact Sciences
Classification: Likely pathogenic for TTN-related condition. Last evaluated: 2026-04-28. Review status: criteria provided, single submitter. Criteria: ACMG Guidelines, 2015. Collection method: clinical testing. Allele origin: germline.
Comment: The TTN c.42949C>T variant is predicted to result in premature protein termination (p.Arg14317*). To our knowledge, this variant has not been reported in the literature or in a large population database (gnomAD), indicating this variant is rare. This variant is located in the TTN protein I-band region. RNAseq studies from heart tissue indicate this exon is commonly included in TTN mRNA transcripts (PSI of 97%-100%, Roberts et al. 2015. PubMed ID: 25589632). TTN loss-of-function variants occurring in constitutively expressed exons (PSI > 90%) are more likely to be disease causing for TTN cardiac-related disorders regardless of band location (Roberts et al. 2015. PubMed ID: 25589632; Schafer et al. 2017 PubMed ID: 27869827; Akhtar et al. 2020. PubMed ID: 32964742). Many cases of recessive TTN-related myopathies in which the individual is compound heterozygous for two loss-of-function variants in TTN have also been reported (Ge et al. 2019. PubMed ID: 31053406; Oates et al. 2018. PubMed ID: 29691892; Rees et al. 2021. PubMed ID: 33449170). In summary, this variant is categorized as likely pathogenic. Of note, this variant is considered likely pathogenic for increased risk of TTN-related cardiac disorders, and also for autosomal recessive TTN-related congenital titinopathies.

Labcorp Genetics (formerly Invitae), Labcorp
Classification: Likely pathogenic for Dilated cardiomyopathy 1G; Autosomal recessive limb-girdle muscular dystrophy type 2J. Last evaluated: 2024-10-18. Review status: criteria provided, single submitter. Criteria: Invitae Variant Classification Sherloc (09022015). Collection method: clinical testing. Allele origin: germline.
Comment: This sequence change creates a premature translational stop signal (p.Arg14317*) in the TTN gene. While this is not anticipated to result in nonsense mediated decay, it is expected to create a truncated TTN protein. This variant is not present in population databases (gnomAD no frequency). This variant has not been observed in the literature in individuals with autosomal recessive TTN-related conditions. This variant has been reported in individual(s) with autosomal dominant dilated cardiomyopathy (internal data); however, the role of the variant in this condition is currently unclear. ClinVar contains an entry for this variant (Variation ID: 841268). This variant is located in the I band of TTN (PMID: 25589632). Truncating variants in this region have been reported in individuals affected with autosomal recessive centronuclear myopathy (PMID: 23975875, internal data). Truncating variants in this region have also been identified in individuals affected with autosomal dominant dilated cardiomyopathy and/or cardio-related conditions (PMID: 27869827, 32964742, internal data). In summary, the currently available evidence indicates that the variant is pathogenic, but additional data are needed to prove that conclusively. Therefore, this variant has been classified as Likely Pathogenic.

Juno Genomics, Hangzhou Juno Genomics, Inc
Classification: Likely pathogenic for Dilated cardiomyopathy 1G. Review status: criteria provided, single submitter. Criteria: ACMG Guidelines, 2015. Collection method: clinical testing. Allele origin: germline.
Comment: Absent from controls (or at extremely low frequency if recessive) in Genome Aggregation Database.;Null variant in a gene where loss of function (LOF) is a known mechanism of disease.

Cardiogenetics and Myogenetics Molecular and Cellular Functional Unit, Aphp Sorbonne University-Hopital Pitie Salpetriere
Classification: Likely pathogenic for Dilated cardiomyopathy 1G. Last evaluated: 2024-01-06. Review status: no assertion criteria provided. Collection method: clinical testing. Allele origin: germline. Affected: yes. Not counted in ClinVar's aggregate classification.

Literature cited by the submitters: PubMed 25589632 (cited by Labcorp Genetics (formerly Invitae), Labcorp); PubMed 23975875 (cited by Labcorp Genetics (formerly Invitae), Labcorp); PubMed 27869827 (cited by Labcorp Genetics (formerly Invitae), Labcorp); PubMed 32964742 (cited by Labcorp Genetics (formerly Invitae), Labcorp).

NM_001267550.2(TTN):c.42949C>T (p.Arg14317Ter)

Gene: TTN (titin; minus strand). Cytogenetic location: 2q31.2.
Variant type: single nucleotide variant.
Coding change: c.42949C>T on transcript NM_001267550.2 (MANE Select); coding-DNA position 42949, C replaced by T.
Protein change: p.Arg14317Ter; replaces arginine 14317 with a stop codon.
Molecular consequence: nonsense.
Genome position (GRCh38, 1-based): chr2:178,633,324, G>A on the plus strand (C>T on the coding strand, the complement: TTN is on the minus strand). VCF-style: chr2-178633324-G-A. GRCh37 (hg19) VCF-style: chr2-179498051-G-A.
Other names: c.38026C>T, p.Arg12676Ter (NM_001256850.1); c.15754C>T, p.Arg5252Ter (NM_003319.4); c.35245C>T, p.Arg11749Ter (NM_133378.4); c.16129C>T, p.Arg5377Ter (NM_133432.3); c.16330C>T, p.Arg5444Ter (NM_133437.4); short protein forms R5444*, R14317*, R5252*, R5377*, R11749*, R12676*.
Identifiers: ClinVar variation 841268 (VCV000841268.17), dbSNP rs376799532, ClinGen allele CA349653103.